The following is an entry in ClinVar:

ClinVar aggregate classification (germline): Benign. Review status: criteria provided, multiple submitters, no conflicts (2 of 4 stars). 4 submissions from 4 submitters: Benign (3). 1 of the submissions does not count toward it. Last evaluated 2026-02-03.

Conditions:
EGF-related disorder. Also called: EGF-related condition.

Submissions (4):

Labcorp Genetics (formerly Invitae), Labcorp
Classification: Benign. Last evaluated: 2026-02-03. Review status: criteria provided, single submitter. Criteria: Invitae Variant Classification Sherloc (09022015). Collection method: clinical testing. Allele origin: germline.

Mayo Clinic Laboratories, Mayo Clinic
Classification: Benign. Last evaluated: 2025-02-10. Review status: criteria provided, single submitter. Criteria: ACMG Guidelines, 2015. Collection method: clinical testing. Allele origin: germline. Observed: 2 variant alleles.
Comment: BA1

GeneDx
Classification: Benign. Last evaluated: 2020-02-04. Review status: criteria provided, single submitter. Criteria: GeneDx Variant Classification Process June 2021. Collection method: clinical testing. Allele origin: germline. Affected: yes.
Comment: This variant is associated with the following publications: (PMID: 29582157)

PreventionGenetics, part of Exact Sciences
Classification: Benign for EGF-related condition. Last evaluated: 2019-09-05. Review status: no assertion criteria provided. Collection method: clinical testing. Allele origin: germline. Not counted in ClinVar's aggregate classification.
Comment: This variant is classified as benign based on ACMG/AMP sequence variant interpretation guidelines (Richards et al. 2015 PMID: 25741868, with internal and published modifications).

NM_001963.6(EGF):c.3406dup (p.Gln1136fs)

Gene: EGF (epidermal growth factor; plus strand). Cytogenetic location: 4q25.
Variant type: Duplication.
Coding change: c.3406dup on transcript NM_001963.6 (MANE Select); coding-DNA position 3406, one base duplicated (C; older notation c.3406dupC).
Protein change: p.Gln1136fs; shifts the reading frame from glutamine 1136.
Molecular consequence: frameshift variant.
Genome position (GRCh38, 1-based): chr4:110,011,237, C duplicated; the last of 4 consecutive C bases (chr4:110,011,234-110,011,237); duplicating any one gives the same sequence. VCF-style (leftmost placement, unchanged base first): chr4-110011233-G-GC. GRCh37 (hg19) VCF-style: chr4-110932389-G-GC.
Other names: p.Gln1136Profs*18; c.3283dup, p.Gln1095fs (NM_001178130.3); c.3280dup, p.Gln1094fs (NM_001178131.3); c.2958dup, p.Ser987fs (NM_001357021.2); c.3406dupC (NM_001963.5); short protein forms Q1094fs, Q1095fs, S987fs, Q1136fs.
Identifiers: ClinVar variation 347259 (VCV000347259.16), dbSNP rs11569144, ClinGen allele CA3044277.
Genomic context (GRCh38, chr4:110,011,233, plus strand): 5'-TATTGAAATTTCTTTTGTCTTTCATATAGGGTCAATGCAACCAACTTCATGGAGGCAGGA[G>GC]CCCCAGTTATGTGGAATGGGCACAGAGCAAGGCTGCTGGATTCCAGTATCCAGTGATAAG-3'